The following is an entry in ClinVar:

NM_205836.3(FBXO38):c.1300C>A (p.Leu434Ile)

Gene: FBXO38 (F-box protein 38; plus strand). Cytogenetic location: 5q32.
Variant type: single nucleotide variant.
Coding change: c.1300C>A on transcript NM_205836.3 (MANE Select); coding-DNA position 1300, C replaced by A.
Protein change: p.Leu434Ile; replaces leucine 434 with isoleucine.
Molecular consequence: missense variant.
Genome position (GRCh38, 1-based): chr5:148,415,963, C>A. VCF-style: chr5-148415963-C-A. GRCh37 (hg19) VCF-style: chr5-147795526-C-A.
Other names: c.1300C>A, p.Leu434Ile (NM_001271723.2, NM_030793.5); short protein forms L434I.
Identifiers: ClinVar variation 4994924 (VCV004994924.1).

ClinVar aggregate classification (germline): Uncertain significance (1 of 4 stars; one submission).

Conditions:
FBXO38-related disorder. Also called: FBXO38-related condition.

Submission:

PreventionGenetics, part of Exact Sciences
Classification: Uncertain significance for FBXO38-related condition. Last evaluated: 2026-01-29. Review status: criteria provided, single submitter. Criteria: ACMG Guidelines, 2015. Collection method: clinical testing. Allele origin: germline.
Comment: The FBXO38 c.1300C>A variant is predicted to result in the amino acid substitution p.Leu434Ile. To our knowledge, this variant has not been reported in the literature or in a large population database (gnomAD), indicating this variant is rare. At this time, the clinical significance of this variant is uncertain due to the absence of conclusive functional and genetic evidence.